The following is an entry in ClinVar:

ClinVar aggregate classification (germline): Uncertain significance (1 of 4 stars; one submission).

Conditions:
Amyotrophic lateral sclerosis type 21. Also called: MYOPATHY, DISTAL, 2; VOCAL CORD AND PHARYNGEAL DYSFUNCTION WITH DISTAL MYOPATHY. Identifiers: Orphanet 600, Orphanet 803, MedGen C3807521, MONDO:0011632, OMIM 606070.

Submission:

Labcorp Genetics (formerly Invitae), Labcorp
Classification: Uncertain significance for Amyotrophic lateral sclerosis type 21. Last evaluated: 2025-08-03. Review status: criteria provided, single submitter. Criteria: Invitae Variant Classification Sherloc (09022015). Collection method: clinical testing. Allele origin: germline.
Comment: This sequence change replaces glutamine, which is neutral and polar, with glutamic acid, which is acidic and polar, at codon 346 of the MATR3 protein (p.Gln346Glu). This variant is not present in population databases (gnomAD no frequency). This variant has not been reported in the literature in individuals affected with MATR3-related conditions. Invitae Evidence Modeling of protein sequence and biophysical properties (such as structural, functional, and spatial information, amino acid conservation, physicochemical variation, residue mobility, and thermodynamic stability) indicates that this missense variant is not expected to disrupt MATR3 protein function with a negative predictive value of 80%. In summary, the available evidence is currently insufficient to determine the role of this variant in disease. Therefore, it has been classified as a Variant of Uncertain Significance.

NM_018834.6(MATR3):c.1036C>G (p.Gln346Glu)

Gene: MATR3 (matrin 3; plus strand). Cytogenetic location: 5q31.2.
Variant type: single nucleotide variant.
Coding change: c.1036C>G on transcript NM_018834.6 (MANE Select); coding-DNA position 1036, C replaced by G.
Protein change: p.Gln346Glu; replaces glutamine 346 with glutamic acid.
Molecular consequence: missense variant.
Genome position (GRCh38, 1-based): chr5:139,316,095, C>G. VCF-style: chr5-139316095-C-G. GRCh37 (hg19) VCF-style: chr5-138651784-C-G.
Other names: c.1036C>G, p.Gln346Glu (NM_001194954.2, NM_001194955.2, NM_001400441.1 and 16 more transcripts); c.172C>G, p.Gln58Glu (NM_001194956.2); c.22C>G, p.Gln8Glu (NM_001282278.2, NM_001400460.1, NM_001400462.1 and 5 more transcripts); c.175C>G, p.Gln59Glu (NM_001400459.1); c.136C>G, p.Gln46Glu (NM_001400461.1); short protein forms Q58E, Q59E, Q346E, Q46E, Q8E.
Identifiers: ClinVar variation 4740676 (VCV004740676.1).
Genomic context (GRCh38, chr5:139,316,095, plus strand): 5'-CTCTTTATTATGATTTATATTTTATGTCTTCACTTTACTAGGGGTGATCCATTCATGTTG[C>G]AGCAGTCTACAAATCCAGCACCAGGAATTCTGGGACCTCCACCTCCCTCATTTCATCTTG-3'
Protein context (NP_061322.2, residues 336-356): GHTMGDPFML[Gln346Glu]QSTNPAPGIL